The following is an entry in ClinVar:

NM_002473.6(MYH9):c.5235G>A (p.Thr1745=)

Gene: MYH9 (myosin heavy chain 9; minus strand). Cytogenetic location: 22q12.3.
Variant type: single nucleotide variant.
Coding change: c.5235G>A on transcript NM_002473.6 (MANE Select); coding-DNA position 5235, G replaced by A.
Protein change: p.Thr1745=; no amino-acid change (threonine 1745 retained).
Molecular consequence: synonymous variant.
Genome position (GRCh38, 1-based): chr22:36,285,697, C>T on the plus strand (G>A on the coding strand, the complement: MYH9 is on the minus strand). VCF-style: chr22-36285697-C-T. GRCh37 (hg19) VCF-style: chr22-36681743-C-T.
Identifiers: ClinVar variation 179171 (VCV000179171.11), dbSNP rs727504684, ClinGen allele CA183863.

ClinVar aggregate classification (germline): Likely benign. Review status: criteria provided, multiple submitters, no conflicts (2 of 4 stars). 4 submissions from 4 submitters: Likely benign (4). Last evaluated 2025-05-22.

Conditions:
Macrothrombocytopenia and granulocyte inclusions with or without nephritis or sensorineural hearing loss (MATINS). Also called: BLEEDING DISORDER, PLATELET-TYPE, 6; DOHLE LEUKOCYTE INCLUSIONS WITH GIANT PLATELETS; MACROTHROMBOCYTOPENIA WITH LEUKOCYTE INCLUSIONS; SEBASTIAN PLATELET SYNDROME; MACROTHROMBOCYTOPENIA WITH DISPERSED LEUKOCYTIC INCLUSIONS; MACROTHROMBOCYTOPENIA, NEPHRITIS, AND DEAFNESS. Identifiers: Orphanet 182050, MedGen C5200934, MONDO:0015912, OMIM 155100.
Autosomal dominant nonsyndromic hearing loss 17. Also called: Deafness, autosomal dominant 17; Autosomal dominant nonsyndromic deafness 17. Identifiers: Orphanet 90635, MedGen C1863659, MONDO:0011350, OMIM 603622.

Allele frequency attached by ClinVar (database versions not stated): gnomAD 0.00001; TOPMed 0.00003.
gnomAD v4.1: 10 of 1,612,980 alleles (0.00062%); highest among the groups gnomAD compares: Middle Eastern, 0.019%; no homozygotes.

Submissions (4):

Labcorp Genetics (formerly Invitae), Labcorp
Classification: Likely benign. Last evaluated: 2025-05-22. Review status: criteria provided, single submitter. Criteria: Invitae Variant Classification Sherloc (09022015). Collection method: clinical testing. Allele origin: germline.

Blueprint Genetics
Classification: Likely benign. Last evaluated: 2024-05-08. Review status: criteria provided, single submitter. Criteria: ACMG Guidelines, 2015. Collection method: clinical testing. Allele origin: germline.

Fulgent Genetics
Classification: Likely benign for Macrothrombocytopenia and granulocyte inclusions with or without nephritis or sensorineural hearing loss; Autosomal dominant nonsyndromic hearing loss 17. Last evaluated: 2021-09-08. Review status: criteria provided, single submitter. Criteria: ACMG Guidelines, 2015. Collection method: clinical testing. Allele origin: unknown.

Laboratory for Molecular Medicine, Mass General Brigham Personalized Medicine
Classification: Likely benign. Last evaluated: 2013-08-16. Review status: criteria provided, single submitter. Criteria: LMM Criteria. Collection method: clinical testing. Allele origin: germline. Observed: 1 variant allele.
Comment: Thr1745Thr in exon 37 of MYH9: This variant is not expected to have clinical sig nificance because it does not alter an amino acid residue and it is not located within the splice consensus sequence.